The following is an entry in ClinVar:

NM_033305.3(VPS13A):c.4642G>A (p.Glu1548Lys)

Gene: VPS13A (vacuolar protein sorting 13 homolog A; plus strand). Cytogenetic location: 9q21.2.
Variant type: single nucleotide variant.
Coding change: c.4642G>A on transcript NM_033305.3 (MANE Select); coding-DNA position 4642, G replaced by A.
Protein change: p.Glu1548Lys; replaces glutamic acid 1548 with lysine.
Molecular consequence: missense variant.
Genome position (GRCh38, 1-based): chr9:77,316,185, G>A. VCF-style: chr9-77316185-G-A. GRCh37 (hg19) VCF-style: chr9-79931101-G-A.
Other names: c.4525G>A, p.Glu1509Lys (NM_001018037.2); c.4642G>A, p.Glu1548Lys (NM_001018038.3, NM_015186.4); short protein forms E1548K, E1509K.
Identifiers: ClinVar variation 448863 (VCV000448863.50), dbSNP rs41289967, ClinGen allele CA5092580.

ClinVar aggregate classification (germline): Benign/Likely benign. Review status: criteria provided, multiple submitters, no conflicts (2 of 4 stars). 13 submissions from 13 submitters: Benign (1); Likely benign (7). 5 of the submissions do not count toward it. Last evaluated 2026-08-01.

Conditions:
VPS13A-related disorder. Also called: VPS13A-related condition.
VPS13A-related neurodegenerative disease. Also called: ACANTHOCYTOSIS WITH NEUROLOGIC DISORDER; Choreoacanthocytosis; Chorea-acanthocytosis; VPS13A Disease; LEVINE-CRITCHLEY SYNDROME; Choreaacanthocytosis. Identifiers: Orphanet 2388, MedGen C0393576, MONDO:0008695, OMIM 200150.

Allele frequency attached by ClinVar (database versions not stated): gnomAD 0.00210 and 0.00213; 1000 Genomes Project 0.00080; 1000 Genomes Project 30x 0.00109; ESP Exome Variant Server 0.00177; TOPMed 0.00197.
gnomAD v4.1: 4,007 of 1,608,202 alleles (0.25%); highest among the groups gnomAD compares: Middle Eastern, 0.63%; 14 homozygotes.

Submissions (13):

CeGaT Center for Human Genetics Tuebingen
Classification: Likely benign. Last evaluated: 2026-08-01. Review status: criteria provided, single submitter. Criteria: CeGaT Center For Human Genetics Tuebingen Variant Classification Criteria Version 2. Collection method: clinical testing. Allele origin: germline. Affected: yes. Observed: 7 variant alleles.
Comment: VPS13A: BP4, BS2

Labcorp Genetics (formerly Invitae), Labcorp
Classification: Likely benign. Last evaluated: 2026-01-28. Review status: criteria provided, single submitter. Criteria: Invitae Variant Classification Sherloc (09022015). Collection method: clinical testing. Allele origin: germline.

Mayo Clinic Laboratories, Mayo Clinic
Classification: Benign. Last evaluated: 2025-03-07. Review status: criteria provided, single submitter. Criteria: ACMG Guidelines, 2015. Collection method: clinical testing. Allele origin: germline. Observed: 4 variant alleles.
Comment: BS1, BS2, BP4_moderate

Blueprint Genetics
Classification: Likely benign. Last evaluated: 2024-11-19. Review status: criteria provided, single submitter. Criteria: ACMG Guidelines, 2015. Collection method: clinical testing. Allele origin: germline.

GeneDx
Classification: Likely benign. Last evaluated: 2021-07-28. Review status: criteria provided, single submitter. Criteria: GeneDx Variant Classification Process June 2021. Collection method: clinical testing. Allele origin: germline. Affected: yes.

Athena Diagnostics
Classification: Likely benign. Last evaluated: 2020-10-05. Review status: criteria provided, single submitter. Criteria: Athena Diagnostics criteria. Collection method: clinical testing. Allele origin: unknown.

Illumina Laboratory Services, Illumina
Classification: Likely benign for VPS13A-related neurodegenerative disease. Last evaluated: 2018-01-12. Review status: criteria provided, single submitter. Criteria: ICSL Variant Classification Criteria 13 December 2019. Collection method: clinical testing. Allele origin: germline.
Comment: This variant was observed in the ICSL laboratory as part of a predisposition screen in an ostensibly healthy population. It had not been previously curated by ICSL or reported in the Human Gene Mutation Database (HGMD: prior to June 1st, 2018), and was therefore a candidate for classification through an automated scoring system. Utilizing variant allele frequency, disease prevalence and penetrance estimates, and inheritance mode, an automated score was calculated to assess if this variant is too frequent to cause the disease. Based on the score and internal cut-off values, a variant classified as likely benign is not then subjected to further curation. The score for this variant resulted in a classification of likely benign for this disease.

Breakthrough Genomics
Classification: Likely benign. Review status: criteria provided, single submitter. Criteria: ACMG Guidelines, 2015. Collection method: not provided. Allele origin: germline. Inheritance: Autosomal recessive inheritance. Affected: yes.

PreventionGenetics, part of Exact Sciences
Classification: Likely benign for VPS13A-related condition. Last evaluated: 2021-03-01. Review status: no assertion criteria provided. Collection method: clinical testing. Allele origin: germline. Not counted in ClinVar's aggregate classification.
Comment: This variant is classified as likely benign based on ACMG/AMP sequence variant interpretation guidelines (Richards et al. 2015 PMID: 25741868, with internal and published modifications).

Natera, Inc.
Classification: Benign for Choreaacanthocytosis. Last evaluated: 2019-11-11. Review status: no assertion criteria provided. Collection method: clinical testing. Allele origin: germline. Not counted in ClinVar's aggregate classification.

Clinical Genetics DNA and cytogenetics Diagnostics Lab, Erasmus MC, Erasmus Medical Center
Classification: Likely benign. Review status: no assertion criteria provided. Collection method: clinical testing. Allele origin: germline. Affected: yes. Study: VKGL Data-share Consensus. Not counted in ClinVar's aggregate classification.

Diagnostic Laboratory, Department of Genetics, University Medical Center Groningen
Classification: Likely benign for VPS13A-related neurodegenerative disease. Review status: no assertion criteria provided. Collection method: clinical testing. Allele origin: germline. Affected: yes. Study: VKGL Data-share Consensus. Not counted in ClinVar's aggregate classification.

Genome Diagnostics Laboratory, Amsterdam University Medical Center
Classification: Likely benign. Review status: no assertion criteria provided. Collection method: clinical testing. Allele origin: germline. Affected: yes. Study: VKGL Data-share Consensus. Not counted in ClinVar's aggregate classification.